The following is an entry in ClinVar:

NM_001244008.2(KIF1A):c.4769T>C (p.Leu1590Pro)

Gene: KIF1A (kinesin family member 1A; minus strand). Cytogenetic location: 2q37.3.
Variant type: single nucleotide variant.
Coding change: c.4769T>C on transcript NM_001244008.2 (MANE Select); coding-DNA position 4769, T replaced by C.
Protein change: p.Leu1590Pro; replaces leucine 1590 with proline.
Molecular consequence: missense variant.
Genome position (GRCh38, 1-based): chr2:240,721,013, A>G on the plus strand (T>C on the coding strand, the complement: KIF1A is on the minus strand). VCF-style: chr2-240721013-A-G. GRCh37 (hg19) VCF-style: chr2-241660430-A-G.
Other names: c.4493T>C, p.Leu1498Pro (NM_001320705.2, NM_001379649.1); c.4520T>C, p.Leu1507Pro (NM_001330289.2); c.4568T>C, p.Leu1523Pro (NM_001330290.2, NM_001379648.1); c.4844T>C, p.Leu1615Pro (NM_001379631.1); c.4745T>C, p.Leu1582Pro (NM_001379632.1); c.4742T>C, p.Leu1581Pro (NM_001379633.1, NM_001379645.1); c.4595T>C, p.Leu1532Pro (NM_001379634.1); c.4592T>C, p.Leu1531Pro (NM_001379635.1, NM_001379646.1); and 7 more; short protein forms L1489P, L1514P, L1527P, L1488P, L1523P, L1531P, L1498P, L1506P.
Identifiers: ClinVar variation 1420095 (VCV001420095.8), dbSNP rs2125585935, ClinGen allele CA351301946.
Genomic context (GRCh38, chr2:240,721,013, plus strand): 5'-GGGCAAGTGGAGGAGGGGGTGAGAGTGGCCACCCCTAGAGGGGACATCGACGGGTCCCGG[A>G]GCAGGGTGACAGACATCTCGGAGAGCTGCGGAGGAGAGGCCTTTTTCAGGGGACACAGGG-3'
Protein context (NP_001230937.1, residues 1580-1600): SKLSEMSVTL[Leu1590Pro]RDPSMSPLGV

ClinVar aggregate classification (germline): Uncertain significance (1 of 4 stars; one submission).

Conditions:
Hereditary spastic paraplegia 30. Identifiers: Orphanet 101010, MedGen C5235139, MONDO:0012476.
Neuropathy, hereditary sensory, type 2C. Also called: Hereditary sensory and autonomic neuropathy type IIC; KIF1A-Related HSAN2 (HSAN2C). Identifiers: Orphanet 970, MedGen C3280168, MONDO:0013634, OMIM 614213.
Intellectual disability, autosomal dominant 9 (NESCAVS). Also called: NESCAV SYNDROME; KIF1A-Related Neurodevelopmental Disorder. Identifiers: Orphanet 662367, MedGen C5393830, MONDO:0013656, OMIM 614255.

gnomAD v4.1: 1 of 1,611,628 alleles (0.000062%); no homozygotes.

Submission:

Labcorp Genetics (formerly Invitae), Labcorp
Classification: Uncertain significance for Hereditary spastic paraplegia 30; Neuropathy, hereditary sensory, type 2C; Intellectual disability, autosomal dominant 9. Last evaluated: 2021-06-24. Review status: criteria provided, single submitter. Criteria: Invitae Variant Classification Sherloc (09022015). Collection method: clinical testing. Allele origin: germline.
Comment: This sequence change replaces leucine with proline at codon 1489 of the KIF1A protein (p.Leu1489Pro). The leucine residue is moderately conserved and there is a moderate physicochemical difference between leucine and proline. This variant is not present in population databases (ExAC no frequency). This variant has not been reported in the literature in individuals with KIF1A-related conditions. Advanced modeling of protein sequence and biophysical properties (such as structural, functional, and spatial information, amino acid conservation, physicochemical variation, residue mobility, and thermodynamic stability) performed at Invitae indicates that this missense variant is not expected to disrupt KIF1A protein function. In summary, the available evidence is currently insufficient to determine the role of this variant in disease. Therefore, it has been classified as a Variant of Uncertain Significance.